The following is an entry in ClinVar:

ClinVar aggregate classification (germline): Pathogenic/Likely pathogenic. Review status: criteria provided, multiple submitters, no conflicts (2 of 4 stars). 3 submissions from 3 submitters: Pathogenic (2); Likely pathogenic (1). Last evaluated 2025-07-10.

Conditions:
Hereditary cancer-predisposing syndrome. Also called: Neoplastic Syndromes, Hereditary; Tumor predisposition; Hereditary Cancer Syndrome; Hereditary neoplastic syndrome. Identifiers: Orphanet 140162, MedGen C0027672, MeSH D009386, MONDO:0015356.
Familial adenomatous polyposis 1 (FAP1). Also called: FAMILIAL ADENOMATOUS POLYPOSIS 1, ATTENUATED; POLYPOSIS, ADENOMATOUS INTESTINAL. Identifiers: MedGen C2713442, MONDO:0021056, OMIM 175100. Disease mechanism: loss of function.

Submissions (3):

Ambry Genetics
Classification: Likely pathogenic for Hereditary cancer-predisposing syndrome. Last evaluated: 2025-07-10. Review status: criteria provided, single submitter. Criteria: Ambry Variant Classification Scheme 2023. Collection method: clinical testing. Allele origin: germline.
Comment: The p.K2179* variant (also known as c.6535A>T), located in coding exon 15 of the APC gene, results from an A to T substitution at nucleotide position 6535. This changes the amino acid from a lysine to a stop codon within coding exon 15. This alteration occurs at the 3' terminus of theAPC gene, is not expected to trigger nonsense-mediated mRNA decay, and impacts the last 23% of the protein. However, premature stop codons are typically deleterious in nature and a significant portion of the protein is affected (Ambry internal data). This variant is considered to be rare based on population cohorts in the Genome Aggregation Database (gnomAD). Based on the majority of available evidence to date, this variant is likely to be pathogenic.

Labcorp Genetics (formerly Invitae), Labcorp
Classification: Pathogenic for Familial adenomatous polyposis 1. Last evaluated: 2025-01-06. Review status: criteria provided, single submitter. Criteria: Invitae Variant Classification Sherloc (09022015). Collection method: clinical testing. Allele origin: germline.
Comment: This sequence change creates a premature translational stop signal (p.Lys2179*) in the APC gene. While this is not anticipated to result in nonsense mediated decay, it is expected to disrupt the last 665 amino acid(s) of the APC protein. This variant is not present in population databases (gnomAD no frequency). This variant has not been reported in the literature in individuals affected with APC-related conditions. ClinVar contains an entry for this variant (Variation ID: 2710931). This variant is expected to disrupt the EB1 and HDLG binding sites, which mediate interactions with the cytoskeleton (PMID: 15311282, 17293347). While functional studies have not been performed to directly test the effect on APC protein function, this suggests that disruption of the C-terminal portion of the protein is functionally important. A different truncation (p.Tyr2645Lysfs*14) that lies downstream of this variant has been determined to be pathogenic (PMID: 9824584, 1316610, 27081525, 8381579, 22135120, internal data). This suggests that deletion of this region of the APC protein is causative of disease. For these reasons, this variant has been classified as Pathogenic.

Myriad Genetics, Inc.
Classification: Pathogenic for Familial adenomatous polyposis 1. Last evaluated: 2024-01-31. Review status: criteria provided, single submitter. Criteria: Myriad Autosomal Dominant, Autosomal Recessive and X-Linked Classification Criteria (2023). Collection method: clinical testing. Allele origin: unknown.
Comment: This variant is considered pathogenic. This variant creates a termination codon and is predicted to result in premature protein truncation.

Literature cited by the submitters: PubMed 15311282 (cited by Labcorp Genetics (formerly Invitae), Labcorp); PubMed 17293347 (cited by Labcorp Genetics (formerly Invitae), Labcorp); PubMed 9824584 (cited by Labcorp Genetics (formerly Invitae), Labcorp); PubMed 1316610 (cited by Labcorp Genetics (formerly Invitae), Labcorp); PubMed 27081525 (cited by Labcorp Genetics (formerly Invitae), Labcorp); PubMed 8381579 (cited by Labcorp Genetics (formerly Invitae), Labcorp); PubMed 22135120 (cited by Labcorp Genetics (formerly Invitae), Labcorp).

NM_000038.6(APC):c.6535A>T (p.Lys2179Ter)

Gene: APC (APC regulator of Wnt signaling pathway; plus strand). Cytogenetic location: 5q22.2.
Variant type: single nucleotide variant.
Coding change: c.6535A>T on transcript NM_000038.6 (MANE Select); coding-DNA position 6535, A replaced by T.
Protein change: p.Lys2179Ter; replaces lysine 2179 with a stop codon.
Molecular consequence: nonsense. On other transcripts: non-coding transcript variant (2).
Genome position (GRCh38, 1-based): chr5:112,842,129, A>T. VCF-style: chr5-112842129-A-T. GRCh37 (hg19) VCF-style: chr5-112177826-A-T.
Other names: c.6535A>T, p.Lys2179Ter (NM_001127510.3, NM_001354895.2, NM_001407450.1); c.6481A>T, p.Lys2161Ter (NM_001127511.3); c.6589A>T, p.Lys2197Ter (NM_001354896.2, NM_001407447.1, NM_001407448.1 and 1 more transcripts); c.6565A>T, p.Lys2189Ter (NM_001354897.2); c.6460A>T, p.Lys2154Ter (NM_001354898.2); c.6451A>T, p.Lys2151Ter (NM_001354899.2); c.6412A>T, p.Lys2138Ter (NM_001354900.2); c.6358A>T, p.Lys2120Ter (NM_001354901.2, NM_001407453.1); and 12 more; short protein forms K1795*, K1896*, K2161*, K2172*, K2019*, K2050*, K2078*, K2096*.
Identifiers: ClinVar variation 2710931 (VCV002710931.5), dbSNP rs376096304, ClinGen allele CA16035627.